The following is an entry in ClinVar:

ClinVar aggregate classification (germline): Uncertain significance (1 of 4 stars; one submission).

Conditions:
Cardiovascular phenotype. Identifiers: MedGen CN230736.

Allele frequency attached by ClinVar (database versions not stated): TOPMed below 0.00001.

Submission:

Ambry Genetics
Classification: Uncertain significance for Cardiovascular phenotype. Last evaluated: 2023-01-22. Review status: criteria provided, single submitter. Criteria: Ambry Variant Classification Scheme 2023. Collection method: clinical testing. Allele origin: germline.
Comment: The p.S61P variant (also known as c.181T>C), located in coding exon 1 of the KCNE2 gene, results from a T to C substitution at nucleotide position 181. The serine at codon 61 is replaced by proline, an amino acid with similar properties. This amino acid position is conserved. In addition, this alteration is predicted to be deleterious by in silico analysis. Since supporting evidence is limited at this time, the clinical significance of this alteration remains unclear.

NM_172201.2(KCNE2):c.181T>C (p.Ser61Pro)

Genes: KCNE2 (potassium voltage-gated channel subfamily E regulatory subunit 2; plus strand), LOC105372791 (uncharacterized LOC105372791; minus strand). Cytogenetic location: 21q22.11.
Variant type: single nucleotide variant.
Coding change: c.181T>C on transcript NM_172201.2 (MANE Select); coding-DNA position 181, T replaced by C.
Protein change: p.Ser61Pro; replaces serine 61 with proline.
Molecular consequence: missense variant.
Genome position (GRCh38, 1-based): chr21:34,370,659, T>C. VCF-style: chr21-34370659-T-C. GRCh37 (hg19) VCF-style: chr21-35742958-T-C.
Other names: short protein forms S61P.
Identifiers: ClinVar variation 2447578 (VCV002447578.2), dbSNP rs1979541976, ClinGen allele CA410196577.
Genomic context (GRCh38, chr21:34,370,659, plus strand): 5'-GTTGATGCTGAGAACTTCTACTATGTCATCCTGTACCTCATGGTGATGATTGGAATGTTC[T>C]CTTTCATCATCGTGGCCATCCTGGTGAGCACTGTGAAATCCAAGAGACGGGAACACTCCA-3'
Protein context (NP_751951.1, residues 51-71): LYLMVMIGMF[Ser61Pro]FIIVAILVST